The following is an entry in ClinVar:

NM_020832.3(ZNF687):c.2254C>T (p.Arg752Trp)

Gene: ZNF687 (zinc finger protein 687; plus strand). Cytogenetic location: 1q21.3.
Variant type: single nucleotide variant.
Coding change: c.2254C>T on transcript NM_020832.3 (MANE Select); coding-DNA position 2254, C replaced by T.
Protein change: p.Arg752Trp; replaces arginine 752 with tryptophan.
Molecular consequence: missense variant.
Genome position (GRCh38, 1-based): chr1:151,288,666, C>T. VCF-style: chr1-151288666-C-T. GRCh37 (hg19) VCF-style: chr1-151261142-C-T.
Other names: c.2254C>T, p.Arg752Trp (NM_001304763.2, NM_001304764.2); short protein forms R752W.
Identifiers: ClinVar variation 2959754 (VCV002959754.3), dbSNP rs749518021, ClinGen allele CA1088500.

ClinVar aggregate classification (germline): Uncertain significance (1 of 4 stars; one submission).

Allele frequency attached by ClinVar (database versions not stated): gnomAD exomes 0.00001; TOPMed 0.00001; gnomAD 0.00002; ExAC 0.00006.
gnomAD v4.1: 23 of 1,613,894 alleles (0.0014%); highest among the groups gnomAD compares: Middle Eastern, 0.033%; no homozygotes.

Submission:

Labcorp Genetics (formerly Invitae), Labcorp
Classification: Uncertain significance. Last evaluated: 2022-12-06. Review status: criteria provided, single submitter. Criteria: Invitae Variant Classification Sherloc (09022015). Collection method: clinical testing. Allele origin: germline.
Comment: In summary, the available evidence is currently insufficient to determine the role of this variant in disease. Therefore, it has been classified as a Variant of Uncertain Significance. Algorithms developed to predict the effect of missense changes on protein structure and function are either unavailable or do not agree on the potential impact of this missense change (SIFT: "Deleterious"; PolyPhen-2: "Benign"; Align-GVGD: "Class C0"). This variant has not been reported in the literature in individuals affected with ZNF687-related conditions. This variant is present in population databases (rs749518021, gnomAD 0.05%). This sequence change replaces arginine, which is basic and polar, with tryptophan, which is neutral and slightly polar, at codon 752 of the ZNF687 protein (p.Arg752Trp).